The following is an entry in ClinVar:

ClinVar aggregate classification (germline): Uncertain significance (1 of 4 stars; one submission).

Conditions:
Arrhythmogenic cardiomyopathy with wooly hair and keratoderma. Also called: Carvajal syndrome; PALMOPLANTAR KERATODERMA WITH LEFT VENTRICULAR CARDIOMYOPATHY AND WOOLLY HAIR; Dilated cardiomyopathy with woolly hair and keratoderma; Arrhythmogenic cardiomyopathy with woolly hair and keratoderma. Identifiers: Orphanet 65282, MedGen C1854063, MONDO:0011581, OMIM 605676.

gnomAD v4.1: 1 of 1,614,174 alleles (0.000062%); highest among the groups gnomAD compares: Non-Finnish European, 0.000085%; no homozygotes.

Submission:

All of Us Research Program, National Institutes of Health
Classification: Uncertain significance for Arrhythmogenic cardiomyopathy with wooly hair and keratoderma. Last evaluated: 2024-03-05. Review status: criteria provided, single submitter. Criteria: ACMG Guidelines, 2015. Collection method: clinical testing. Allele origin: germline. Inheritance: Autosomal dominant inheritance. Observed: 1 variant allele, 1 heterozygote.
Comment: This study involves interpretation of variants in research participants for the purpose of population health screening. Participant phenotype was not available at the time of variant classification. Additional details can be found in publication PMID: 35346344, PMCID: PMC8962531

NM_004415.4(DSP):c.6062C>A (p.Ala2021Glu)

Gene: DSP (desmoplakin; plus strand). Cytogenetic location: 6p24.3.
Variant type: single nucleotide variant.
Coding change: c.6062C>A on transcript NM_004415.4 (MANE Select); coding-DNA position 6062, C replaced by A.
Protein change: p.Ala2021Glu; replaces alanine 2021 with glutamic acid.
Molecular consequence: missense variant.
Genome position (GRCh38, 1-based): chr6:7,583,324, C>A. VCF-style: chr6-7583324-C-A. GRCh37 (hg19) VCF-style: chr6-7583557-C-A.
Other names: c.4265C>A, p.Ala1422Glu (NM_001008844.3); c.4733C>A, p.Ala1578Glu (NM_001319034.2); short protein forms A1422E, A1578E, A2021E.
Identifiers: ClinVar variation 3386698 (VCV003386698.1).